The following is an entry in ClinVar:

NM_022124.6(CDH23):c.1845C>T (p.Tyr615=)

Gene: CDH23 (cadherin related 23; plus strand). Cytogenetic location: 10q22.1.
Variant type: single nucleotide variant.
Coding change: c.1845C>T on transcript NM_022124.6 (MANE Select); coding-DNA position 1845, C replaced by T.
Protein change: p.Tyr615=; no amino-acid change (tyrosine 615 retained).
Molecular consequence: synonymous variant.
Genome position (GRCh38, 1-based): chr10:71,679,479, C>T. VCF-style: chr10-71679479-C-T. GRCh37 (hg19) VCF-style: chr10-73439236-C-T.
Other names: c.1845C>T, p.Tyr615= (NM_001171930.2, NM_001171931.2); c.1845C>T (NM_022124.5).
Identifiers: ClinVar variation 1084217 (VCV001084217.10), dbSNP rs756643525, ClinGen allele CA5543975.
Genomic context (GRCh38, chr10:71,679,479, plus strand): 5'-GATCACCTACAGCATTGTCAGTGCATCTGCCTTTGGCAGCTACTTCGACATCAGCCTGTA[C>T]GAGGGCTATGGAGGTAGGTGTGGGGCAGAACTCGGGGCCCAGCCAGGAGGAGGGCTGGGG-3'
Protein context (NP_071407.4, residues 605-625): AFGSYFDISL[Tyr615=]EGYGVISVSR

ClinVar aggregate classification (germline): Likely benign. Review status: criteria provided, multiple submitters, no conflicts (2 of 4 stars). 2 submissions from 2 submitters: Likely benign (2). Last evaluated 2026-06-01.

Conditions:
CDH23-related disorder. Also called: CDH23-related disorders; CDH23-related condition.

Allele frequency attached by ClinVar (database versions not stated): ExAC 0.00001; gnomAD 0.00001; gnomAD exomes 0.00001 and 0.00002; TOPMed 0.00002.
gnomAD v4.1: 28 of 1,609,372 alleles (0.0017%); highest among the groups gnomAD compares: East Asian, 0.0089%; no homozygotes.

Submissions (2):

PreventionGenetics, part of Exact Sciences
Classification: Likely benign for CDH23-related condition. Last evaluated: 2026-06-01. Review status: criteria provided, single submitter. Criteria: ACMG Guidelines, 2015. Collection method: clinical testing. Allele origin: germline.
Comment: This variant is classified as likely benign based on ACMG/AMP sequence variant interpretation guidelines (Richards et al. 2015 PMID: 25741868, with internal and published modifications).

Labcorp Genetics (formerly Invitae), Labcorp
Classification: Likely benign. Last evaluated: 2024-01-21. Review status: criteria provided, single submitter. Criteria: Invitae Variant Classification Sherloc (09022015). Collection method: clinical testing. Allele origin: germline.